The following is an entry in ClinVar:

NM_003334.4(UBA1):c.1147A>T (p.Ile383Phe)

Gene: UBA1 (ubiquitin like modifier activating enzyme 1; plus strand). Cytogenetic location: Xp11.3.
Variant type: single nucleotide variant.
Coding change: c.1147A>T on transcript NM_003334.4 (MANE Select); coding-DNA position 1147, A replaced by T.
Protein change: p.Ile383Phe; replaces isoleucine 383 with phenylalanine.
Molecular consequence: missense variant.
Genome position (GRCh38, 1-based): chrX:47,202,728, A>T. VCF-style: chrX-47202728-A-T. GRCh37 (hg19) VCF-style: chrX-47062127-A-T.
Other names: c.1147A>T, p.Ile383Phe (NM_153280.3); short protein forms I383F.
Identifiers: ClinVar variation 1055089 (VCV001055089.13), dbSNP rs1341394275, ClinGen allele CA412796328.

ClinVar aggregate classification (germline): Uncertain significance. Review status: criteria provided, multiple submitters, no conflicts (2 of 4 stars). 4 submissions from 4 submitters: Uncertain significance (4). Last evaluated 2025-08-30.

Conditions:
Inborn genetic diseases. Identifiers: MedGen C0950123, MeSH D030342.
Infantile-onset X-linked spinal muscular atrophy. Also called: Spinal muscular atrophy, X-linked 2; SPINAL MUSCULAR ATROPHY, X-LINKED LETHAL INFANTILE; AMC, DISTAL, X-LINKED; ARTHROGRYPOSIS, X-LINKED, TYPE I; Spinal Muscular Atrophy, X-Linked Infantile. Identifiers: Orphanet 1145, MedGen C1844934, MONDO:0010532, OMIM 301830.
VEXAS syndrome. Identifiers: Orphanet 596753, MedGen C5435753, MONDO:0026777, OMIM 301054.

Allele frequency attached by ClinVar (database versions not stated): gnomAD 0.00001; gnomAD exomes 0.00001 and 0.00003; TOPMed 0.00002.
gnomAD v4.1: 37 of 1,210,008 alleles (0.0031%); highest among the groups gnomAD compares: Non-Finnish European, 0.004%; no homozygotes.

Submissions (4):

Labcorp Genetics (formerly Invitae), Labcorp
Classification: Uncertain significance for Infantile-onset X-linked spinal muscular atrophy. Last evaluated: 2025-08-30. Review status: criteria provided, single submitter. Criteria: Invitae Variant Classification Sherloc (09022015). Collection method: clinical testing. Allele origin: germline.
Comment: This sequence change replaces isoleucine, which is neutral and non-polar, with phenylalanine, which is neutral and non-polar, at codon 383 of the UBA1 protein (p.Ile383Phe). This variant is not present in population databases (gnomAD no frequency). This variant has not been reported in the literature in individuals affected with UBA1-related conditions. ClinVar contains an entry for this variant (Variation ID: 1055089). An algorithm developed to predict the effect of missense changes on protein structure and function (PolyPhen-2) suggests that this variant is likely to be tolerated. In summary, the available evidence is currently insufficient to determine the role of this variant in disease. Therefore, it has been classified as a Variant of Uncertain Significance.

Ambry Genetics
Classification: Uncertain significance for Inborn genetic diseases. Last evaluated: 2023-06-30. Review status: criteria provided, single submitter. Criteria: Ambry Variant Classification Scheme 2023. Collection method: clinical testing. Allele origin: germline.

Blueprint Genetics
Classification: Uncertain significance. Last evaluated: 2022-02-08. Review status: criteria provided, single submitter. Criteria: ACMG Guidelines, 2015. Collection method: clinical testing. Allele origin: germline.

Department of Pathology and Laboratory Medicine, Sinai Health System
Classification: Uncertain significance for VEXAS syndrome; Infantile-onset X-linked spinal muscular atrophy. Last evaluated: 2022-01-11. Review status: criteria provided, single submitter. Criteria: ACMG Guidelines, 2015. Collection method: research. Allele origin: germline.